The following is an entry in ClinVar:

ClinVar aggregate classification (germline): Pathogenic (1 of 4 stars; one submission).

Conditions:
Dilated cardiomyopathy 1G (CMD1G). Identifiers: Orphanet 154, MedGen C1858763, MONDO:0011400, OMIM 604145.
Autosomal recessive limb-girdle muscular dystrophy type 2J (LGMDR10). Also called: Limb-girdle muscular dystrophy, type 2J; MUSCULAR DYSTROPHY, LIMB-GIRDLE, AUTOSOMAL RECESSIVE 10. Identifiers: Orphanet 140922, MedGen C1837342, MONDO:0012127, OMIM 608807.

Submission:

Labcorp Genetics (formerly Invitae), Labcorp
Classification: Pathogenic for Dilated cardiomyopathy 1G; Autosomal recessive limb-girdle muscular dystrophy type 2J. Last evaluated: 2024-11-11. Review status: criteria provided, single submitter. Criteria: Invitae Variant Classification Sherloc (09022015). Collection method: clinical testing. Allele origin: germline.
Comment: This sequence change creates a premature translational stop signal (p.Glu8763*) in the TTN gene. While this is not anticipated to result in nonsense mediated decay, it is expected to create a truncated TTN protein. This variant is not present in population databases (gnomAD no frequency). This premature translational stop signal has been observed in individual(s) with autosomal recessive muscular dystrophy (internal data). In at least one individual the data is consistent with being in trans (on the opposite chromosome) from a pathogenic variant. ClinVar contains an entry for this variant (Variation ID: 1015906). This variant is located in the I band of TTN (PMID: 25589632). Truncating variants in this region have been reported in individuals affected with autosomal recessive centronuclear myopathy (PMID: 23975875, internal data). Truncating variants in this region have also been identified in individuals affected with autosomal dominant dilated cardiomyopathy and/or cardio-related conditions (PMID: 27869827, 32964742, internal data). For these reasons, this variant has been classified as Pathogenic.

Literature cited by the submitters: PubMed 25589632; PubMed 23975875; PubMed 27869827; PubMed 32964742.

NM_001267550.2(TTN):c.26287G>T (p.Glu8763Ter)

Gene: TTN (titin; minus strand). Cytogenetic location: 2q31.2.
Variant type: single nucleotide variant.
Coding change: c.26287G>T on transcript NM_001267550.2 (MANE Select); coding-DNA position 26287, G replaced by T.
Protein change: p.Glu8763Ter; replaces glutamic acid 8763 with a stop codon.
Molecular consequence: nonsense. On other transcripts: intron variant (3).
Genome position (GRCh38, 1-based): chr2:178,714,487, C>A on the plus strand (G>T on the coding strand, the complement: TTN is on the minus strand). VCF-style: chr2-178714487-C-A. GRCh37 (hg19) VCF-style: chr2-179579214-C-A.
Other names: c.25336G>T, p.Glu8446Ter (NM_001256850.1); c.22555G>T, p.Glu7519Ter (NM_133378.4); c.13282+23595G>T (NM_003319.4); c.13858+23595G>T (NM_133437.4); c.13657+23595G>T (NM_133432.3); short protein forms E7519*, E8446*, E8763*.
Identifiers: ClinVar variation 1015906 (VCV001015906.11), dbSNP rs2077159790, ClinGen allele CA349471600.
Genomic context (GRCh38, chr2:178,714,487, plus strand): 5'-TGTTGTCACTTTCTCTAACGATTTCTCCCTTATCTTTGAACCACACCACTGAAATGGGTT[C>A]AGCGCCTTCAATGGTAGTCTGCAGCTGAACTTCTTTACCAACGACAGTAGATATGTCACT-3'